The following is an entry in ClinVar:

ClinVar aggregate classification (germline): Uncertain significance (1 of 4 stars; one submission).

Conditions:
Progressive sclerosing poliodystrophy (MTDPS4A). Also called: ALPERS PROGRESSIVE INFANTILE POLIODYSTROPHY; Alpers-Huttenlocher Syndrome (AHS); NEURONAL DEGENERATION OF CHILDHOOD WITH LIVER DISEASE, PROGRESSIVE; Mitochondrial DNA depletion syndrome 4A (Alpers type); Mitochondrial DNA Depletion Syndrome 4A; Alpers Syndrome. Identifiers: Orphanet 726, MedGen C0205710, MONDO:0008758, OMIM 203700.

Submission:

MGZ Medical Genetics Center
Classification: Uncertain significance for Progressive sclerosing poliodystrophy. Last evaluated: 2022-06-21. Review status: criteria provided, single submitter. Criteria: ACMG Guidelines, 2015. Collection method: clinical testing. Allele origin: germline. Affected: yes. Observed: 1 variant allele.
Comment: ACMG criteria applied: PM2_SUP, BP4

NM_002693.3(POLG):c.3483-6T>C

Gene: POLG (DNA polymerase gamma, catalytic subunit; minus strand). Cytogenetic location: 15q26.1.
Variant type: single nucleotide variant.
Coding change: c.3483-6T>C on transcript NM_002693.3 (MANE Select); 6 bases into the intron before coding-DNA position 3483, T replaced by C.
Molecular consequence: intron variant.
Genome position (GRCh38, 1-based): chr15:89,317,542, A>G on the plus strand (T>C on the coding strand, the complement: POLG is on the minus strand). VCF-style: chr15-89317542-A-G. GRCh37 (hg19) VCF-style: chr15-89860773-A-G.
Other names: c.3483-6T>C (NM_001126131.2).
Identifiers: ClinVar variation 1709564 (VCV001709564.2), dbSNP rs2509187596, ClinGen allele CA2580090183.